The following is an entry in ClinVar:

NM_001080467.3(MYO5B):c.4503C>T (p.Pro1501=)

Genes: MYO5B (myosin VB; minus strand), SNHG22 (small nucleolar RNA host gene 22; plus strand). Cytogenetic location: 18q21.1.
Variant type: single nucleotide variant.
Coding change: c.4503C>T on transcript NM_001080467.3 (MANE Select); coding-DNA position 4503, C replaced by T.
Protein change: p.Pro1501=; no amino-acid change (proline 1501 retained).
Molecular consequence: synonymous variant.
Genome position (GRCh38, 1-based): chr18:49,843,349, G>A on the plus strand (C>T on the coding strand, the complement: MYO5B is on the minus strand). VCF-style: chr18-49843349-G-A. GRCh37 (hg19) VCF-style: chr18-47369719-G-A.
Other names: c.4503C>T (NM_001080467.2).
Identifiers: ClinVar variation 2898109 (VCV002898109.4), dbSNP rs779743243, ClinGen allele CA8960336.
Genomic context (GRCh38, chr18:49,843,349, plus strand): 5'-CACCTTGAGATCGTCGTTGGTGTAGTCCGCGTGCCGGATGCACATGTAGAGGATGTAGGC[G>A]GGGAGACAGGGCACTGTGCCCGACAGCATCTGGGGCTTCAAGTCTAAGGGCAACGAGAGC-3'
Protein context (NP_001073936.1, residues 1491-1511): QMLSGTVPCL[Pro1501=]AYILYMCIRH

ClinVar aggregate classification (germline): Likely benign. Review status: criteria provided, multiple submitters, no conflicts (2 of 4 stars). 2 submissions from 2 submitters: Likely benign (2). Last evaluated 2025-09-07.

Conditions:
MYO5B-related disorder. Also called: MYO5B-related condition.

Allele frequency attached by ClinVar (database versions not stated): ExAC 0.00002; TOPMed 0.00002; gnomAD 0.00003; gnomAD exomes 0.00004.
gnomAD v4.1: 64 of 1,614,034 alleles (0.004%); highest among the groups gnomAD compares: Middle Eastern, 0.082%; no homozygotes.

Submissions (2):

Labcorp Genetics (formerly Invitae), Labcorp
Classification: Likely benign. Last evaluated: 2025-09-07. Review status: criteria provided, single submitter. Criteria: Invitae Variant Classification Sherloc (09022015). Collection method: clinical testing. Allele origin: germline.

PreventionGenetics, part of Exact Sciences
Classification: Likely benign for MYO5B-related condition. Last evaluated: 2025-01-15. Review status: criteria provided, single submitter. Criteria: ACMG Guidelines, 2015. Collection method: clinical testing. Allele origin: germline.
Comment: This variant is classified as likely benign based on ACMG/AMP sequence variant interpretation guidelines (Richards et al. 2015 PMID: 25741868, with internal and published modifications).